The following is an entry in ClinVar:

NM_017763.6(RNF43):c.884A>G (p.His295Arg)

Gene: RNF43 (ring finger protein 43; minus strand). Cytogenetic location: 17q22.
Variant type: single nucleotide variant.
Coding change: c.884A>G on transcript NM_017763.6 (MANE Select); coding-DNA position 884, A replaced by G.
Protein change: p.His295Arg; replaces histidine 295 with arginine.
Molecular consequence: missense variant.
Genome position (GRCh38, 1-based): chr17:58,360,217, T>C on the plus strand (A>G on the coding strand, the complement: RNF43 is on the minus strand). VCF-style: chr17-58360217-T-C. GRCh37 (hg19) VCF-style: chr17-56437578-T-C.
Other names: c.884A>G, p.His295Arg (NM_001305544.3); c.503A>G, p.His168Arg (NM_001305545.2); short protein forms H168R, H295R.
Identifiers: ClinVar variation 3789861 (VCV003789861.1).

ClinVar aggregate classification (germline): Uncertain significance (1 of 4 stars; one submission).

gnomAD v4.1: 4 of 1,613,970 alleles (0.00025%); highest among the groups gnomAD compares: African/African-American, 0.0013%; no homozygotes.

Submission:

Ambry Genetics
Classification: Uncertain significance. Last evaluated: 2025-01-07. Review status: criteria provided, single submitter. Criteria: Ambry Variant Classification Scheme 2023. Collection method: clinical testing. Allele origin: germline.
Comment: The p.H295R variant (also known as c.884A>G), located in coding exon 7 of the RNF43 gene, results from an A to G substitution at nucleotide position 884. The histidine at codon 295 is replaced by arginine, an amino acid with highly similar properties. This amino acid position is highly conserved in available vertebrate species. In addition, this alteration is predicted to be deleterious by in silico analysis. The evidence for this gene-disease relationship is limited; therefore, the clinical significance of this alteration is unclear.